The following is an entry in ClinVar:

ClinVar aggregate classification (germline): Uncertain significance (1 of 4 stars; one submission).

Allele frequency attached by ClinVar (database versions not stated): TOPMed below 0.00001; gnomAD exomes 0.00001.
gnomAD v4.1: 12 of 1,614,198 alleles (0.00074%); highest among the groups gnomAD compares: Non-Finnish European, 0.001%; no homozygotes.

Submission:

Labcorp Genetics (formerly Invitae), Labcorp
Classification: Uncertain significance. Last evaluated: 2022-12-25. Review status: criteria provided, single submitter. Criteria: Invitae Variant Classification Sherloc (09022015). Collection method: clinical testing. Allele origin: germline.
Comment: In summary, the available evidence is currently insufficient to determine the role of this variant in disease. Therefore, it has been classified as a Variant of Uncertain Significance. Advanced modeling of protein sequence and biophysical properties (such as structural, functional, and spatial information, amino acid conservation, physicochemical variation, residue mobility, and thermodynamic stability) performed at Invitae indicates that this missense variant is not expected to disrupt SERPINH1 protein function. This variant has not been reported in the literature in individuals affected with SERPINH1-related conditions. This variant is not present in population databases (gnomAD no frequency). This sequence change replaces methionine, which is neutral and non-polar, with valine, which is neutral and non-polar, at codon 297 of the SERPINH1 protein (p.Met297Val).

NM_001235.5(SERPINH1):c.889A>G (p.Met297Val)

Gene: SERPINH1 (serpin family H member 1; plus strand). Cytogenetic location: 11q13.5.
Variant type: single nucleotide variant.
Coding change: c.889A>G on transcript NM_001235.5 (MANE Select); coding-DNA position 889, A replaced by G.
Protein change: p.Met297Val; replaces methionine 297 with valine.
Molecular consequence: missense variant.
Genome position (GRCh38, 1-based): chr11:75,569,106, A>G. VCF-style: chr11-75569106-A-G. GRCh37 (hg19) VCF-style: chr11-75280151-A-G.
Other names: c.889A>G, p.Met297Val (NM_001207014.3); short protein forms M297V.
Identifiers: ClinVar variation 2806267 (VCV002806267.3), dbSNP rs1942152896, ClinGen allele CA381892079.